The following is an entry in ClinVar:

ClinVar aggregate classification (germline): Uncertain significance (1 of 4 stars; one submission).

Submission:

GeneDx
Classification: Uncertain significance. Last evaluated: 2019-04-25. Review status: criteria provided, single submitter. Criteria: GeneDx Variant Classification Process June 2021. Collection method: clinical testing. Allele origin: germline. Affected: yes.
Comment: Not observed in large population cohorts (Lek et al., 2016); In silico analysis, which includes protein predictors and evolutionary conservation, supports a deleterious effect; Has not been previously published as pathogenic or benign to our knowledge

NM_001099922.3(ALG13):c.1058A>G (p.Gln353Arg)

Gene: ALG13 (ALG13 UDP-N-acetylglucosaminyltransferase subunit; plus strand). Cytogenetic location: Xq23.
Variant type: single nucleotide variant.
Coding change: c.1058A>G on transcript NM_001099922.3 (MANE Select); coding-DNA position 1058, A replaced by G.
Protein change: p.Gln353Arg; replaces glutamine 353 with arginine.
Molecular consequence: missense variant. On other transcripts: non-coding transcript variant (1).
Genome position (GRCh38, 1-based): chrX:111,717,898, A>G. VCF-style: chrX-111717898-A-G. GRCh37 (hg19) VCF-style: chrX-110961126-A-G.
Other names: c.746A>G, p.Gln249Arg (NM_001257230.2, NM_001257234.2, NM_001257237.2 and 1 more transcripts); c.824A>G, p.Gln275Arg (NM_001257231.2); c.1058A>G, p.Gln353Arg (NM_001324292.2); short protein forms Q249R, Q275R, Q353R.
Identifiers: ClinVar variation 1305416 (VCV001305416.2), dbSNP rs2148110841, ClinGen allele CA414250753.